The following is an entry in ClinVar:

ClinVar aggregate classification (germline): Uncertain significance. Review status: criteria provided, multiple submitters, no conflicts (2 of 4 stars). 2 submissions from 2 submitters: Uncertain significance (2). Last evaluated 2025-12-31.

Conditions:
VPS33B-related disorder. Also called: VPS33B-related condition.

Allele frequency attached by ClinVar (database versions not stated): TOPMed below 0.00001.
gnomAD v4.1: 4 of 1,614,222 alleles (0.00025%); highest among the groups gnomAD compares: Non-Finnish European, 0.00034%; no homozygotes.

Submissions (2):

PreventionGenetics, part of Exact Sciences
Classification: Uncertain significance for VPS33B-related condition. Last evaluated: 2025-12-31. Review status: criteria provided, single submitter. Criteria: ACMG Guidelines, 2015. Collection method: clinical testing. Allele origin: germline.
Comment: The VPS33B c.544C>G variant is predicted to result in the amino acid substitution p.Leu182Val. To our knowledge, this variant has not been reported in the literature or in a large population database (gnomAD), indicating this variant is rare. At this time, the clinical significance of this variant is uncertain due to the absence of conclusive functional and genetic evidence.

Labcorp Genetics (formerly Invitae), Labcorp
Classification: Uncertain significance. Last evaluated: 2021-07-27. Review status: criteria provided, single submitter. Criteria: Invitae Variant Classification Sherloc (09022015). Collection method: clinical testing. Allele origin: germline.
Comment: This variant has not been reported in the literature in individuals affected with VPS33B-related conditions. In summary, the available evidence is currently insufficient to determine the role of this variant in disease. Therefore, it has been classified as a Variant of Uncertain Significance. Algorithms developed to predict the effect of missense changes on protein structure and function are either unavailable or do not agree on the potential impact of this missense change (SIFT: "Not Available"; PolyPhen-2: "Benign"; Align-GVGD: "Not Available"). This variant is not present in population databases (ExAC no frequency). This sequence change replaces leucine with valine at codon 182 of the VPS33B protein (p.Leu182Val). The leucine residue is moderately conserved and there is a small physicochemical difference between leucine and valine.

NM_018668.5(VPS33B):c.544C>G (p.Leu182Val)

Gene: VPS33B (VPS33B late endosome and lysosome associated; minus strand). Cytogenetic location: 15q26.1.
Variant type: single nucleotide variant.
Coding change: c.544C>G on transcript NM_018668.5 (MANE Select); coding-DNA position 544, C replaced by G.
Protein change: p.Leu182Val; replaces leucine 182 with valine.
Molecular consequence: missense variant.
Genome position (GRCh38, 1-based): chr15:91,007,528, G>C on the plus strand (C>G on the coding strand, the complement: VPS33B is on the minus strand). VCF-style: chr15-91007528-G-C. GRCh37 (hg19) VCF-style: chr15-91550758-G-C.
Other names: c.463C>G, p.Leu155Val (NM_001289148.1); c.271C>G, p.Leu91Val (NM_001289149.1); c.544C>G (NM_018668.4); short protein forms L182V, L155V, L91V.
Identifiers: ClinVar variation 1370340 (VCV001370340.7), dbSNP rs2040647887, ClinGen allele CA393855916.